The following is an entry in ClinVar:

ClinVar aggregate classification (germline): Uncertain significance (1 of 4 stars; one submission).

Submission:

Labcorp Genetics (formerly Invitae), Labcorp
Classification: Uncertain significance. Last evaluated: 2022-08-23. Review status: criteria provided, single submitter. Criteria: Invitae Variant Classification Sherloc (09022015). Collection method: clinical testing. Allele origin: germline.
Comment: In summary, the available evidence is currently insufficient to determine the role of this variant in disease. Therefore, it has been classified as a Variant of Uncertain Significance. Algorithms developed to predict the effect of missense changes on protein structure and function are either unavailable or do not agree on the potential impact of this missense change (SIFT: "Not Available"; PolyPhen-2: "Benign"; Align-GVGD: "Not Available"). This variant has not been reported in the literature in individuals affected with TSEN34-related conditions. This variant is not present in population databases (gnomAD no frequency). This sequence change replaces alanine, which is neutral and non-polar, with valine, which is neutral and non-polar, at codon 130 of the TSEN34 protein (p.Ala130Val).

NM_001077446.4(TSEN34):c.389C>T (p.Ala130Val)

Gene: TSEN34 (tRNA splicing endonuclease subunit 34; plus strand). Cytogenetic location: 19q13.42.
Variant type: single nucleotide variant.
Coding change: c.389C>T on transcript NM_001077446.4 (MANE Select); coding-DNA position 389, C replaced by T.
Protein change: p.Ala130Val; replaces alanine 130 with valine.
Molecular consequence: missense variant.
Genome position (GRCh38, 1-based): chr19:54,191,866, C>T. VCF-style: chr19-54191866-C-T. GRCh37 (hg19) VCF-style: chr19-54695717-C-T.
Other names: c.389C>T, p.Ala130Val (NM_001282332.2, NM_001282333.2, NM_001386740.1 and 1 more transcripts); short protein forms A130V.
Identifiers: ClinVar variation 1922302 (VCV001922302.5), dbSNP rs1410559570, ClinGen allele CA407762804.
Genomic context (GRCh38, chr19:54,191,866, plus strand): 5'-AGGAGCTCCTGGAGAAGATTACGGAGGGCCAGGCTGCTAAGAAGCAGAAACTAGAACAGG[C>T]TTCAGGGGCCAGCTCAAGCCAGGAGGCCGGCTCGAGCCAGGCTGCCAAAGAGGATGAGAC-3'
Protein context (NP_001070914.1, residues 120-140): QAAKKQKLEQ[Ala130Val]SGASSSQEAG